The following is an entry in ClinVar:

ClinVar aggregate classification (germline): Conflicting classifications of pathogenicity. Review status: criteria provided, conflicting classifications (1 of 4 stars). 9 submissions from 9 submitters: Uncertain significance (7); Likely benign (2). Last evaluated 2025-04-09.

Conditions:
Cardiovascular phenotype. Identifiers: MedGen CN230736.
Cardiomyopathy (CMYO). Also called: Cardiomyopathies. Identifiers: Orphanet 167848, MedGen C0878544, MONDO:0004994, HP:0001638. Inheritance: Various modes of inheritance.
Arrhythmogenic right ventricular cardiomyopathy (ARVD). Also called: Arrhythmogenic right ventricular dysplasia; Cardiomyopathy, ARVC; Arrhythmogenic cardiomyopathy; Arrhythmogenic Right Ventricular Cardiomyopathy (ARVC). Identifiers: Orphanet 247, MedGen C0349788, MeSH D019571, MONDO:0016587. Disease mechanism: loss of function. Inheritance: Various modes of inheritance.
Arrhythmogenic right ventricular dysplasia 9 (ARVD9). Also called: Arrhythmogenic Right Ventricular Dysplasia/Cardiomyopathy 9; ARRHYTHMOGENIC RIGHT VENTRICULAR DYSPLASIA, FAMILIAL, 9. Identifiers: MedGen C1836906, MONDO:0012180, OMIM 609040.

Allele frequency attached by ClinVar (database versions not stated): ExAC 0.00007; gnomAD exomes 0.00007; ESP Exome Variant Server 0.00008; gnomAD 0.00009 and 0.00011; TOPMed 0.00014.
gnomAD v4.1: 100 of 1,613,962 alleles (0.0062%); highest among the groups gnomAD compares: Middle Eastern, 0.033%; 1 homozygote.

Submissions (9):

Molecular Diagnostic Laboratory for Inherited Cardiovascular Disease, Montreal Heart Institute
Classification: Uncertain significance for Cardiovascular phenotype. Last evaluated: 2025-04-09. Review status: criteria provided, single submitter. Criteria: ACMG Guidelines, 2015. Collection method: clinical testing. Allele origin: germline. Affected: yes.

Labcorp Genetics (formerly Invitae), Labcorp
Classification: Uncertain significance for Arrhythmogenic right ventricular dysplasia 9. Last evaluated: 2025-01-31. Review status: criteria provided, single submitter. Criteria: Invitae Variant Classification Sherloc (09022015). Collection method: clinical testing. Allele origin: germline.
Comment: This sequence change replaces glutamic acid, which is acidic and polar, with aspartic acid, which is acidic and polar, at codon 624 of the PKP2 protein (p.Glu624Asp). This variant is present in population databases (rs370219248, gnomAD 0.01%). This missense change has been observed in individual(s) with clinical features of PKP2-related conditions (PMID: 27930701, 31983221, 33500567). ClinVar contains an entry for this variant (Variation ID: 201999). An algorithm developed to predict the effect of missense changes on protein structure and function outputs the following: PolyPhen-2: "Benign". The aspartic acid amino acid residue is found in multiple mammalian species, which suggests that this missense change does not adversely affect protein function. In summary, the available evidence is currently insufficient to determine the role of this variant in disease. Therefore, it has been classified as a Variant of Uncertain Significance.

Ambry Genetics
Classification: Likely benign for Cardiovascular phenotype. Last evaluated: 2024-04-11. Review status: criteria provided, single submitter. Criteria: Ambry Variant Classification Scheme 2023. Collection method: clinical testing. Allele origin: germline.

All of Us Research Program, National Institutes of Health
Classification: Uncertain significance for Arrhythmogenic right ventricular cardiomyopathy. Last evaluated: 2024-01-03. Review status: criteria provided, single submitter. Criteria: ACMG Guidelines, 2015. Collection method: clinical testing. Allele origin: germline. Inheritance: Autosomal dominant inheritance. Observed: 23 variant alleles, 23 heterozygotes.
Comment: This missense variant replaces glutamic acid with aspartic acid at codon 624 of the PKP2 protein. Computational prediction suggests that this variant may not impact protein structure and function (internally defined REVEL score threshold <= 0.5, PMID: 27666373). To our knowledge, functional studies have not been reported for this variant. This variant has been reported in an individual affected with sudden unexplained death (PMID: 27930701). This variant has been identified in 18/251266 chromosomes in the general population by the Genome Aggregation Database (gnomAD). The available evidence is insufficient to determine the role of this variant in disease conclusively. Therefore, this variant is classified as a Variant of Uncertain Significance.

This study involves interpretation of variants in research participants for the purpose of population health screening. Participant phenotype was not available at the time of variant classification. Additional details can be found in publication PMID: 35346344, PMCID: PMC8962531

Color Diagnostics, LLC DBA Color Health
Classification: Uncertain significance for Cardiomyopathy. Last evaluated: 2023-12-13. Review status: criteria provided, single submitter. Criteria: ACMG Guidelines, 2015. Collection method: clinical testing. Allele origin: germline.
Comment: This missense variant replaces glutamic acid with aspartic acid at codon 624 of the PKP2 protein. Computational prediction suggests that this variant may not impact protein structure and function (internally defined REVEL score threshold <= 0.5, PMID: 27666373). To our knowledge, functional studies have not been reported for this variant. This variant has been reported in an individual affected with sudden unexplained death (PMID: 27930701). This variant has been identified in 18/251266 chromosomes in the general population by the Genome Aggregation Database (gnomAD). The available evidence is insufficient to determine the role of this variant in disease conclusively. Therefore, this variant is classified as a Variant of Uncertain Significance.

GeneDx
Classification: Uncertain significance. Last evaluated: 2023-09-29. Review status: criteria provided, single submitter. Criteria: GeneDx Variant Classification Process June 2021. Collection method: clinical testing. Allele origin: germline. Affected: yes.
Comment: In silico analysis supports that this missense variant does not alter protein structure/function; This variant is associated with the following publications: (PMID: 33500567, 28166282, 31983221, 27930701)

CeGaT Center for Human Genetics Tuebingen
Classification: Likely benign. Last evaluated: 2023-01-01. Review status: criteria provided, single submitter. Criteria: CeGaT Center For Human Genetics Tuebingen Variant Classification Criteria Version 2. Collection method: clinical testing. Allele origin: germline. Affected: yes. Observed: 1 variant allele.
Comment: PKP2: BP4

Women's Health and Genetics/Laboratory Corporation of America, LabCorp
Classification: Uncertain significance. Last evaluated: 2018-11-19. Review status: criteria provided, single submitter. Criteria: LabCorp Variant Classification Summary - May 2015. Collection method: clinical testing. Allele origin: germline.
Comment: Variant summary: PKP2 c.1872G>T (p.Glu624Asp) results in a conservative amino acid change in the encoded protein sequence. Five of five in-silico tools predict a benign effect of the variant on protein function. The variant allele was found at a frequency of 7.7e-05 in 246044 control chromosomes in the gnomAD database, including 1 homozygotes. This frequency is not significantly higher than expected for a pathogenic variant in PKP2 causing Cardiomyopathy (7.7e-05 vs 0.0011), allowing no conclusion about variant significance. c.1872G>T has been reported in the literature in an individual affected with undetermined sudden death (Sanchez_2016). This report does not provide an unequivocal conclusion about association of the variant with Cardiomyopathy. Co-occurrences with other pathogenic variant(s) have been reported (TTN c.30515_17delAAG, p.E10172fs; a Spanish founder mutation in PKP2, c.987del, p.S329RfsX351), providing supporting evidence for a benign role (Sanchez_2016 and an unpublished reference, A. Diez_Juan et al, 2011). However, considering some patients with cardiomyopathies could have complex genotypes in the main desmosomal genes that could develop early and severe phenotypes, the co-occurrence information would not necessarily prove the non-pathogenicity of our variant of interest. To our knowledge, no experimental evidence demonstrating an impact on protein function has been reported. Two ClinVar submissions from clinical diagnostic laboratories (evaluation after 2014) cite the variant as uncertain significance. Based on the evidence outlined above, the variant was classified as VUS-possibly benign.

Illumina Laboratory Services, Illumina
Classification: Uncertain significance for Arrhythmogenic right ventricular dysplasia 9. Last evaluated: 2018-05-01. Review status: criteria provided, single submitter. Criteria: ICSL Variant Classification Criteria 13 December 2019. Collection method: clinical testing. Allele origin: germline.
Comment: This variant was observed as part of a predisposition screen in an ostensibly healthy population. A literature search was performed for the gene, cDNA change, and amino acid change (where applicable). Publications were found based on this search. However, the evidence from the literature, in combination with allele frequency data from public databases where available, was not sufficient to rule this variant in or out of causing disease. Therefore, this variant is classified as a variant of unknown significance.

Literature cited by the submitters: PubMed 27930701 (cited by 6 submitters); PubMed 31983221 (cited by Labcorp Genetics (formerly Invitae), Labcorp and Ambry Genetics); PubMed 33500567 (cited by Labcorp Genetics (formerly Invitae), Labcorp); PubMed 28166282 (cited by Ambry Genetics).

NM_001005242.3(PKP2):c.1740G>T (p.Glu580Asp)

Gene: PKP2 (plakophilin 2; minus strand). Cytogenetic location: 12p11.21.
Variant type: single nucleotide variant.
Coding change: c.1740G>T on transcript NM_001005242.3 (MANE Select); coding-DNA position 1740, G replaced by T.
Protein change: p.Glu580Asp; replaces glutamic acid 580 with aspartic acid.
Molecular consequence: missense variant.
Genome position (GRCh38, 1-based): chr12:32,822,566, C>A on the plus strand (G>T on the coding strand, the complement: PKP2 is on the minus strand). VCF-style: chr12-32822566-C-A. GRCh37 (hg19) VCF-style: chr12-32975500-C-A.
Other names: p.E624D:GAG>GAT; c.1872G>T, p.Glu624Asp (NM_004572.4); c.1740G>T (NM_001005242.2); short protein forms E624D, E580D.
Identifiers: ClinVar variation 201999 (VCV000201999.60), dbSNP rs370219248, ClinGen allele CA011529.
Genomic context (GRCh38, chr12:32,822,566, plus strand): 5'-ACTTTTGTTGTTGTCAGTCTGGATATTCCGGTTTTGAATATAGATATTCTGGGAATATTT[C>A]TCTGGGAGCTCTGCCTCCAGCTGGTAGGAGAGGTTATGAAGAATGCACACACAATTCTCC-3'
Protein context (NP_001005242.2, residues 570-590): LSYQLEAELP[Glu580Asp]KYSQNIYIQN